The following is an entry in ClinVar:

NM_000138.5(FBN1):c.4895G>A (p.Arg1632His)

Gene: FBN1 (fibrillin 1; minus strand). Cytogenetic location: 15q21.1.
Variant type: single nucleotide variant.
Coding change: c.4895G>A on transcript NM_000138.5 (MANE Select); coding-DNA position 4895, G replaced by A.
Protein change: p.Arg1632His; replaces arginine 1632 with histidine.
Molecular consequence: missense variant.
Genome position (GRCh38, 1-based): chr15:48,465,615, C>T on the plus strand (G>A on the coding strand, the complement: FBN1 is on the minus strand). VCF-style: chr15-48465615-C-T. GRCh37 (hg19) VCF-style: chr15-48757812-C-T.
Other names: short protein forms R1632H.
Identifiers: ClinVar variation 915615 (VCV000915615.15), dbSNP rs756227025, ClinGen allele CA053904.

ClinVar aggregate classification (germline): Conflicting classifications of pathogenicity. Review status: criteria provided, conflicting classifications (1 of 4 stars). 6 submissions from 6 submitters: Uncertain significance (5); Likely benign (1). Last evaluated 2025-05-07.

Conditions:
Familial thoracic aortic aneurysm and aortic dissection (TAAD). Also called: Thoracic aortic aneurysms and dissections. Identifiers: Orphanet 91387, MedGen C4707243, MONDO:0019625.
Marfan syndrome (MFS). Also called: Marfan syndrome, classic; Marfan syndrome type 1; Marfan's syndrome; FBN1-Related Marfan Syndrome; MARFAN SYNDROME, TYPE I. Identifiers: Orphanet 284963, Orphanet 558, MedGen C0024796, MONDO:0007947, OMIM 154700.

Allele frequency attached by ClinVar (database versions not stated): ExAC 0.00002; gnomAD 0.00002 and 0.00001; gnomAD exomes 0.00003 and 0.00001; TOPMed 0.00002.
gnomAD v4.1: 14 of 1,613,972 alleles (0.00087%); highest among the groups gnomAD compares: East Asian, 0.018%; no homozygotes.

Submissions (6):

Labcorp Genetics (formerly Invitae), Labcorp
Classification: Likely benign for Marfan syndrome; Familial thoracic aortic aneurysm and aortic dissection. Last evaluated: 2025-05-07. Review status: criteria provided, single submitter. Criteria: Invitae Variant Classification Sherloc (09022015). Collection method: clinical testing. Allele origin: germline.

Color Diagnostics, LLC DBA Color Health
Classification: Uncertain significance for Familial thoracic aortic aneurysm and aortic dissection. Last evaluated: 2025-01-06. Review status: criteria provided, single submitter. Criteria: ACMG Guidelines, 2015. Collection method: clinical testing. Allele origin: germline.
Comment: This missense variant replaces arginine with histidine at codon 1632 of the FBN1 protein. Computational prediction suggests that this variant may not impact protein structure and function. To our knowledge, functional studies have not been reported for this variant. This variant has also been identified in 8/282728 chromosomes (8/19950 East Asian chromosomes) in the general population by the Genome Aggregation Database (gnomAD). The available evidence is insufficient to determine the role of this variant in disease conclusively. Therefore, this variant is classified as a Variant of Uncertain Significance.

All of Us Research Program, National Institutes of Health
Classification: Uncertain significance for Marfan syndrome. Last evaluated: 2023-05-04. Review status: criteria provided, single submitter. Criteria: ACMG Guidelines, 2015. Collection method: clinical testing. Allele origin: germline. Inheritance: Autosomal dominant inheritance. Observed: 1 variant allele, 1 heterozygote.
Comment: This missense variant replaces arginine with histidine at codon 1632 of the FBN1 protein. Computational prediction suggests that this variant may not impact protein structure and function (internally defined REVEL score threshold <= 0.5, PMID: 27666373). To our knowledge, functional studies have not been reported for this variant. This variant has also been identified in 8/282728 chromosomes (8/19950 East Asian chromosomes) in the general population by the Genome Aggregation Database (gnomAD). The available evidence is insufficient to determine the role of this variant in disease conclusively. Therefore, this variant is classified as a Variant of Uncertain Significance.

This study involves interpretation of variants in research participants for the purpose of population health screening. Participant phenotype was not available at the time of variant classification. Additional details can be found in publication PMID: 35346344, PMCID: PMC8962531

Ambry Genetics
Classification: Uncertain significance for Familial thoracic aortic aneurysm and aortic dissection. Last evaluated: 2022-03-21. Review status: criteria provided, single submitter. Criteria: Ambry Variant Classification Scheme 2023. Collection method: clinical testing. Allele origin: germline.
Comment: The p.R1632H variant (also known as c.4895G>A), located in coding exon 39 of the FBN1 gene, results from a G to A substitution at nucleotide position 4895. The arginine at codon 1632 is replaced by histidine, an amino acid with highly similar properties. This alteration has been reported in an individual suspected to have Marfan syndrome (Hung CC et al. Ann Hum Genet, 2009 Nov;73:559-67). This amino acid position is not well conserved in available vertebrate species. In addition, the in silico prediction for this alteration is inconclusive. Since supporting evidence is limited at this time, the clinical significance of this alteration remains unclear.

Blueprint Genetics
Classification: Uncertain significance. Last evaluated: 2020-01-17. Review status: criteria provided, single submitter. Criteria: ACMG Guidelines, 2015. Collection method: clinical testing. Allele origin: germline.

CHEO Genetics Diagnostic Laboratory, Children's Hospital of Eastern Ontario
Classification: Uncertain significance for Familial thoracic aortic aneurysm and aortic dissection. Last evaluated: 2018-06-01. Review status: criteria provided, single submitter. Criteria: ACMG Guidelines, 2015. Collection method: clinical testing. Allele origin: germline.

Literature cited by the submitters: PubMed 19839986 (cited by Ambry Genetics).